The following is an entry in ClinVar:

ClinVar aggregate classification (germline): Pathogenic. Review status: criteria provided, multiple submitters, no conflicts (2 of 4 stars). 3 submissions from 3 submitters: Pathogenic (2). 1 of the submissions does not count toward it. Last evaluated 2023-11-10.

Conditions:
Blepharophimosis, ptosis, and epicanthus inversus syndrome. Identifiers: Orphanet 126, MedGen C0220663, MONDO:0007201, OMIM 110100.

Submissions (3):

Daryl Scott Lab, Baylor College of Medicine
Classification: Pathogenic for Blepharophimosis, ptosis, and epicanthus inversus syndrome. Last evaluated: 2023-11-10. Review status: criteria provided, single submitter. Criteria: ACMG Guidelines, 2015. Collection method: clinical testing. Allele origin: de novo. Affected: yes.

3billion
Classification: Pathogenic for Blepharophimosis, ptosis, and epicanthus inversus syndrome. Last evaluated: 2022-05-22. Review status: criteria provided, single submitter. Criteria: ACMG Guidelines, 2015. Collection method: clinical testing. Allele origin: germline. Affected: yes. Observed: 1 heterozygote.
Comment: The variant is not observed in the gnomAD v2.1.1 dataset. Stop-gained (nonsense): predicted to result in a loss or disruption of normal protein function through protein truncation. Multiple pathogenic variants are reported in the predicted truncated region. The variant has been reported to be associated with FOXL2 related disorder (ClinVar ID: VCV000004865). Therefore, this variant is classified as pathogenic according to the recommendation of ACMG/AMP guideline.

OMIM
Classification: Pathogenic for BLEPHAROPHIMOSIS, PTOSIS, AND EPICANTHUS INVERSUS. Last evaluated: 2003-09-01. Review status: no assertion criteria provided. Collection method: literature only. Allele origin: germline. Not counted in ClinVar's aggregate classification.

Literature cited by the submitters: PubMed 12938087 (cited by OMIM).

NM_023067.4(FOXL2):c.586C>T (p.Gln196Ter)

Gene: FOXL2 (forkhead box L2; minus strand). Cytogenetic location: 3q22.3.
Variant type: single nucleotide variant.
Coding change: c.586C>T on transcript NM_023067.4 (MANE Select); coding-DNA position 586, C replaced by T.
Protein change: p.Gln196Ter; replaces glutamine 196 with a stop codon.
Molecular consequence: nonsense.
Genome position (GRCh38, 1-based): chr3:138,946,137, G>A on the plus strand (C>T on the coding strand, the complement: FOXL2 is on the minus strand). VCF-style: chr3-138946137-G-A. GRCh37 (hg19) VCF-style: chr3-138664979-G-A.
Other names: short protein forms Q196*.
Identifiers: ClinVar variation 4865 (VCV000004865.4), dbSNP rs104893739, ClinGen allele CA253317.